The following is an entry in ClinVar:

NM_000051.4(ATM):c.2953G>C (p.Asp985His)

Gene: ATM (ATM serine/threonine kinase; plus strand). Cytogenetic location: 11q22.3.
Variant type: single nucleotide variant.
Coding change: c.2953G>C on transcript NM_000051.4 (MANE Select); coding-DNA position 2953, G replaced by C.
Protein change: p.Asp985His; replaces aspartic acid 985 with histidine.
Molecular consequence: missense variant.
Genome position (GRCh38, 1-based): chr11:108,271,282, G>C. VCF-style: chr11-108271282-G-C. GRCh37 (hg19) VCF-style: chr11-108142009-G-C.
Other names: c.2953G>C, p.Asp985His (NM_001351834.2); short protein forms D985H.
Identifiers: ClinVar variation 631390 (VCV000631390.9), dbSNP rs1210518784, ClinGen allele CA382547192.
Genomic context (GRCh38, chr11:108,271,282, plus strand): 5'-GTTGAACTTTTTTTTTTTTTTTACCACAGCAATGTGTGTTCTTTGTATCGTCGTGACCAA[G>C]ATGTTTGTAAAACTATTTTAAACCATGTCCTTCATGTAGTGAAAAACCTAGGTCAAAGCA-3'
Protein context (NP_000042.3, residues 975-995): NVCSLYRRDQ[Asp985His]VCKTILNHVL

ClinVar aggregate classification (germline): Uncertain significance. Review status: criteria provided, multiple submitters, no conflicts (2 of 4 stars). 3 submissions from 3 submitters: Uncertain significance (3). Last evaluated 2024-12-24.

Conditions:
Ataxia-telangiectasia syndrome (AT). Also called: Ataxia-telangiectasia, complementation group D; AT, COMPLEMENTATION GROUP C; Ataxia-telangiectasia; ATAXIA-TELANGIECTASIA, COMPLEMENTATION GROUP A; ATAXIA-TELANGIECTASIA, FRESNO VARIANT; LOUIS-BAR SYNDROME. Identifiers: Orphanet 100, MedGen C0004135, MONDO:0008840, OMIM 208900.
Hereditary cancer-predisposing syndrome. Also called: Hereditary Cancer Syndrome; Neoplastic Syndromes, Hereditary; Tumor predisposition; Hereditary neoplastic syndrome. Identifiers: Orphanet 140162, MedGen C0027672, MeSH D009386, MONDO:0015356.

Allele frequency attached by ClinVar (database versions not stated): gnomAD exomes below 0.00001; TOPMed below 0.00001; gnomAD 0.00001.
gnomAD v4.1: 2 of 1,612,388 alleles (0.00012%); highest among the groups gnomAD compares: Non-Finnish European, 0.00017%; no homozygotes.

Submissions (3):

Labcorp Genetics (formerly Invitae), Labcorp
Classification: Uncertain significance for Ataxia-telangiectasia syndrome. Last evaluated: 2024-12-24. Review status: criteria provided, single submitter. Criteria: Invitae Variant Classification Sherloc (09022015). Collection method: clinical testing. Allele origin: germline.
Comment: This sequence change replaces aspartic acid, which is acidic and polar, with histidine, which is basic and polar, at codon 985 of the ATM protein (p.Asp985His). This variant is not present in population databases (gnomAD no frequency). This variant has not been reported in the literature in individuals affected with ATM-related conditions. ClinVar contains an entry for this variant (Variation ID: 631390). Invitae Evidence Modeling of protein sequence and biophysical properties (such as structural, functional, and spatial information, amino acid conservation, physicochemical variation, residue mobility, and thermodynamic stability) has been performed for this missense variant. However, the output from this modeling did not meet the statistical confidence thresholds required to predict the impact of this variant on ATM protein function. In summary, the available evidence is currently insufficient to determine the role of this variant in disease. Therefore, it has been classified as a Variant of Uncertain Significance.

Ambry Genetics
Classification: Uncertain significance for Hereditary cancer-predisposing syndrome. Last evaluated: 2024-03-06. Review status: criteria provided, single submitter. Criteria: Ambry Variant Classification Scheme 2023. Collection method: clinical testing. Allele origin: germline.
Comment: The p.D985H variant (also known as c.2953G>C), located in coding exon 19 of the ATM gene, results from a G to C substitution at nucleotide position 2953. The aspartic acid at codon 985 is replaced by histidine, an amino acid with similar properties. This amino acid position is not well conserved in available vertebrate species. In addition, the in silico prediction for this alteration is inconclusive. Since supporting evidence is limited at this time, the clinical significance of this alteration remains unclear.

Color Diagnostics, LLC DBA Color Health
Classification: Uncertain significance for Hereditary cancer-predisposing syndrome. Last evaluated: 2023-12-04. Review status: criteria provided, single submitter. Criteria: ACMG Guidelines, 2015. Collection method: clinical testing. Allele origin: germline.
Comment: This missense variant replaces aspartic acid with histidine at codon 985 of the ATM protein. Computational prediction suggests that this variant may not impact protein structure and function (internally defined REVEL score threshold <= 0.5, PMID: 27666373). To our knowledge, functional studies have not been reported for this variant. This variant has not been reported in individuals affected with ATM-related disorders in the literature. This variant has not been identified in the general population by the Genome Aggregation Database (gnomAD). The available evidence is insufficient to determine the role of this variant in disease conclusively. Therefore, this variant is classified as a Variant of Uncertain Significance.